The following is an entry in ClinVar:

NM_000274.4(OAT):c.772-314G>C

Gene: OAT (ornithine aminotransferase; minus strand). Cytogenetic location: 10q26.13.
Variant type: single nucleotide variant.
Coding change: c.772-314G>C on transcript NM_000274.4 (MANE Select); 314 bases into the intron before coding-DNA position 772, G replaced by C.
Molecular consequence: intron variant.
Genome position (GRCh38, 1-based): chr10:124,403,369, C>G on the plus strand (G>C on the coding strand, the complement: OAT is on the minus strand). VCF-style: chr10-124403369-C-G. GRCh37 (hg19) VCF-style: chr10-126091938-C-G.
Other names: c.772-314G>C (NM_001322965.2, NM_001322969.2, NM_001322966.2 and 3 more transcripts); c.358-314G>C (NM_001171814.2); c.172-314G>C (NM_001322974.2); c.451-314G>C (NM_001322971.2).
Identifiers: ClinVar variation 684343 (VCV000684343.2), dbSNP rs2240881, ClinGen allele CA15629343.

ClinVar aggregate classification (germline): Benign. Review status: criteria provided, multiple submitters, no conflicts (2 of 4 stars). 2 submissions from 2 submitters: Benign (2). Last evaluated 2018-06-19.

Allele frequency attached by ClinVar (database versions not stated): gnomAD exomes 0.76394; 1000 Genomes Project 30x 0.77701; gnomAD 0.71492 and 0.72309; TOPMed 0.72425; 1000 Genomes Project 0.78295.
gnomAD v4.1: 349,543 of 465,854 alleles (75%); highest among the groups gnomAD compares: East Asian, 88%; 132,212 homozygotes.

Submissions (2):

GeneDx
Classification: Benign. Last evaluated: 2018-06-19. Review status: criteria provided, single submitter. Criteria: GeneDx Variant Classification (06012015). Collection method: clinical testing. Allele origin: germline. Affected: yes.
Comment: This variant is considered likely benign or benign based on one or more of the following criteria: it is a conservative change, it occurs at a poorly conserved position in the protein, it is predicted to be benign by multiple in silico algorithms, and/or has population frequency not consistent with disease.

Breakthrough Genomics
Classification: Benign. Review status: criteria provided, single submitter. Criteria: ACMG Guidelines, 2015. Collection method: not provided. Allele origin: germline. Inheritance: Autosomal recessive inheritance. Affected: yes.